The following is an entry in ClinVar:

NM_001100913.3(PACS2):c.749A>T (p.Asn250Ile)

Gene: PACS2 (phosphofurin acidic cluster sorting protein 2; plus strand). Cytogenetic location: 14q32.33.
Variant type: single nucleotide variant.
Coding change: c.749A>T on transcript NM_001100913.3 (MANE Select); coding-DNA position 749, A replaced by T.
Protein change: p.Asn250Ile; replaces asparagine 250 with isoleucine.
Molecular consequence: missense variant.
Genome position (GRCh38, 1-based): chr14:105,369,848, A>T. VCF-style: chr14-105369848-A-T. GRCh37 (hg19) VCF-style: chr14-105836185-A-T.
Other names: c.524A>T, p.Asn175Ile (NM_001243127.3); c.749A>T, p.Asn250Ile (NM_015197.4); short protein forms N175I, N250I.
Identifiers: ClinVar variation 3353323 (VCV003353323.1).

ClinVar aggregate classification (germline): Uncertain significance (0 of 4 stars; one submission).

Conditions:
PACS2-related disorder. Also called: PACS2-related condition.

gnomAD v4.1: 3 of 1,599,460 alleles (0.00019%); highest among the groups gnomAD compares: Non-Finnish European, 0.00026%; no homozygotes.

Submission:

PreventionGenetics, part of Exact Sciences
Classification: Uncertain significance for PACS2-related condition. Last evaluated: 2024-08-15. Review status: no assertion criteria provided. Collection method: clinical testing. Allele origin: germline.
Comment: The PACS2 c.749A>T variant is predicted to result in the amino acid substitution p.Asn250Ile. To our knowledge, this variant has not been reported in the literature. This variant is reported in 0.00095% of alleles in individuals of European (Non-Finnish) descent in gnomAD. At this time, the clinical significance of this variant is uncertain due to the absence of conclusive functional and genetic evidence.